The following is an entry in ClinVar:

NM_173660.5(DOK7):c.1324_1357del (p.Cys442fs)

Gene: DOK7 (docking protein 7; plus strand). Cytogenetic location: 4p16.3.
Variant type: Deletion.
Coding change: c.1324_1357del on transcript NM_173660.5 (MANE Select); coding-DNA positions 1324 to 1357, 34 bases deleted.
Protein change: p.Cys442fs; shifts the reading frame from cysteine 442.
Molecular consequence: frameshift variant. On other transcripts: 3 prime UTR variant (1).
Genome position (GRCh38, 1-based): chr4:3,493,310-3,493,343, 34 bases deleted; deleting any 34 consecutive bases within chr4:3,493,306-3,493,343 gives the same sequence; the c. name uses the placement nearest the transcript's 3' end. GRCh37 (hg19): chr4:3,495,037-3,495,070.
Other names: c.*545_*578del (NM_001164673.2); c.394_427del, p.Cys132fs (NM_001256896.2); c.1324_1357del, p.Cys442fs (NM_001301071.2); c.892_925del, p.Cys298fs (NM_001363811.2); short protein forms C132fs, C298fs, C442fs.
Identifiers: ClinVar variation 2059967 (VCV002059967.2), dbSNP rs1259593300, ClinGen allele CA549706292.

ClinVar aggregate classification (germline): Pathogenic. Review status: criteria provided, multiple submitters, no conflicts (2 of 4 stars). 2 submissions from 2 submitters: Pathogenic (2). Last evaluated 2024-03-11.

Conditions:
Congenital myasthenic syndrome 10. Also called: Myasthenia, limb-girdle, familial. Identifiers: Orphanet 590, MedGen C1850792, MONDO:0009690, OMIM 254300.
Fetal akinesia deformation sequence 1 (FADS1). Also called: Pena-Shokeir syndrome type I; Fetal akinesia sequence. Identifiers: Orphanet 994, MedGen C1276035, MONDO:0100101, OMIM 208150, HP:0001989.
Fetal akinesia deformation sequence 3. Identifiers: MedGen C4760599, MONDO:0100103, OMIM 618389.

Submissions (2):

Baylor Genetics
Classification: Pathogenic for Fetal akinesia deformation sequence 3. Last evaluated: 2024-03-11. Review status: criteria provided, single submitter. Criteria: ACMG Guidelines, 2015. Collection method: clinical testing. Allele origin: unknown.

Labcorp Genetics (formerly Invitae), Labcorp
Classification: Pathogenic for Congenital myasthenic syndrome 10; Fetal akinesia deformation sequence 1. Last evaluated: 2022-09-13. Review status: criteria provided, single submitter. Criteria: Invitae Variant Classification Sherloc (09022015). Collection method: clinical testing. Allele origin: germline.
Comment: This sequence change creates a premature translational stop signal (p.Cys442Alafs*3) in the DOK7 gene. While this is not anticipated to result in nonsense mediated decay, it is expected to disrupt the last 63 amino acid(s) of the DOK7 protein. This variant is present in population databases (no rsID available, gnomAD 0.003%). This variant has not been reported in the literature in individuals affected with DOK7-related conditions. This variant disrupts a region of the DOK7 protein in which other variant(s) (p.Pro486Argfs*15) have been determined to be pathogenic (PMID: 29118959). This suggests that this is a clinically significant region of the protein, and that variants that disrupt it are likely to be disease-causing. For these reasons, this variant has been classified as Pathogenic.

Literature cited by the submitters: PubMed 29118959 (cited by Labcorp Genetics (formerly Invitae), Labcorp).